The following is an entry in ClinVar:

ClinVar aggregate classification (germline): Pathogenic (1 of 4 stars; one submission).

Conditions:
Growth hormone insensitivity with immune dysregulation 1, autosomal recessive. Also called: GROWTH HORMONE INSENSITIVITY DUE TO POSTRECEPTOR DEFECT; LARON SYNDROME DUE TO POSTRECEPTOR DEFECT; Laron syndrome with immunodeficiency; GROWTH HORMONE INSENSITIVITY SYNDROME WITH IMMUNE DYSREGULATION 1, AUTOSOMAL RECESSIVE. Identifiers: Orphanet 220465, MedGen C5435698, MONDO:0100211, OMIM 245590.

Submission:

Labcorp Genetics (formerly Invitae), Labcorp
Classification: Pathogenic for Growth hormone insensitivity with immune dysregulation 1, autosomal recessive. Last evaluated: 2025-04-30. Review status: criteria provided, single submitter. Criteria: Invitae Variant Classification Sherloc (09022015). Collection method: clinical testing. Allele origin: germline.
Comment: This sequence change creates a premature translational stop signal (p.Glu395*) in the STAT5B gene. It is expected to result in an absent or disrupted protein product. Loss-of-function variants in STAT5B are known to be pathogenic (PMID: 15827093). This variant is not present in population databases (gnomAD no frequency). This variant has not been reported in the literature in individuals affected with STAT5B-related conditions. Algorithms developed to predict the effect of sequence changes on RNA splicing suggest that this variant may disrupt the consensus splice site. For these reasons, this variant has been classified as Pathogenic.

Literature cited by the submitters: PubMed 15827093.

NM_012448.4(STAT5B):c.1183G>T (p.Glu395Ter)

Gene: STAT5B (signal transducer and activator of transcription 5B; minus strand). Cytogenetic location: 17q21.2.
Variant type: single nucleotide variant.
Coding change: c.1183G>T on transcript NM_012448.4 (MANE Select); coding-DNA position 1183, G replaced by T.
Protein change: p.Glu395Ter; replaces glutamic acid 395 with a stop codon.
Molecular consequence: nonsense.
Genome position (GRCh38, 1-based): chr17:42,217,451, C>A on the plus strand (G>T on the coding strand, the complement: STAT5B is on the minus strand). VCF-style: chr17-42217451-C-A. GRCh37 (hg19) VCF-style: chr17-40369469-C-A.
Other names: short protein forms E395*.
Identifiers: ClinVar variation 4804939 (VCV004804939.1).